The following is an entry in ClinVar:

NM_182919.4(TICAM1):c.995C>T (p.Thr332Met)

Gene: TICAM1 (TIR domain containing adaptor molecule 1; minus strand). Cytogenetic location: 19p13.3.
Variant type: single nucleotide variant.
Coding change: c.995C>T on transcript NM_182919.4 (MANE Select); coding-DNA position 995, C replaced by T.
Protein change: p.Thr332Met; replaces threonine 332 with methionine.
Molecular consequence: missense variant.
Genome position (GRCh38, 1-based): chr19:4,817,383, G>A on the plus strand (C>T on the coding strand, the complement: TICAM1 is on the minus strand). VCF-style: chr19-4817383-G-A. GRCh37 (hg19) VCF-style: chr19-4817395-G-A.
Other names: c.953C>T, p.Thr318Met (NM_001385678.1); c.860C>T, p.Thr287Met (NM_001385679.1); c.353C>T, p.Thr118Met (NM_001385680.1); short protein forms T118M, T287M, T318M, T332M.
Identifiers: ClinVar variation 1016704 (VCV001016704.7), dbSNP rs757786083, ClinGen allele CA9105231.
Genomic context (GRCh38, chr19:4,817,383, plus strand): 5'-GTAGGTGGGCACGGCTTGGTATTTGGAGAGGTGGTATCTTCTACAGAAAGTTGGAGTGGC[G>A]TCTGGTCTTTGACAGAGCAGGGGTTTTTGACCGGCTCCAGAATAGGCAAGGGGAGAGACT-3'
Protein context (NP_891549.1, residues 322-342): VKNPCSVKDQ[Thr332Met]PLQLSVEDTT

ClinVar aggregate classification (germline): Uncertain significance. Review status: criteria provided, multiple submitters, no conflicts (2 of 4 stars). 2 submissions from 2 submitters: Uncertain significance (2). Last evaluated 2024-06-11.

Conditions:
Encephalopathy, acute, infection-induced (herpes-specific), susceptibility to, 6. Also called: Herpes simplex encephalitis, susceptibility to, 4. Identifiers: Orphanet 1930, MedGen C3553869, MONDO:0013921, OMIM 614850.

Allele frequency attached by ClinVar (database versions not stated): gnomAD 0.00001; ExAC 0.00002; gnomAD exomes 0.00003; TOPMed 0.00001.
gnomAD v4.1: 45 of 1,613,912 alleles (0.0028%); highest among the groups gnomAD compares: East Asian, 0.027%; no homozygotes.

Submissions (2):

Fulgent Genetics
Classification: Uncertain significance for Encephalopathy, acute, infection-induced (herpes-specific), susceptibility to, 6. Last evaluated: 2024-06-11. Review status: criteria provided, single submitter. Criteria: ACMG Guidelines, 2015. Collection method: clinical testing. Allele origin: germline.

Labcorp Genetics (formerly Invitae), Labcorp
Classification: Uncertain significance for Encephalopathy, acute, infection-induced (herpes-specific), susceptibility to, 6. Last evaluated: 2022-07-19. Review status: criteria provided, single submitter. Criteria: Invitae Variant Classification Sherloc (09022015). Collection method: clinical testing. Allele origin: germline.
Comment: This sequence change replaces threonine, which is neutral and polar, with methionine, which is neutral and non-polar, at codon 332 of the TICAM1 protein (p.Thr332Met). This variant is present in population databases (rs757786083, gnomAD 0.02%). This variant has not been reported in the literature in individuals affected with TICAM1-related conditions. ClinVar contains an entry for this variant (Variation ID: 1016704). Algorithms developed to predict the effect of missense changes on protein structure and function output the following: SIFT: "Tolerated"; PolyPhen-2: "Benign"; Align-GVGD: "Class C0". The methionine amino acid residue is found in multiple mammalian species, which suggests that this missense change does not adversely affect protein function. In summary, the available evidence is currently insufficient to determine the role of this variant in disease. Therefore, it has been classified as a Variant of Uncertain Significance.